The following is an entry in ClinVar:

NM_007325.5(GRIA3):c.379C>G (p.Pro127Ala)

Gene: GRIA3 (glutamate ionotropic receptor AMPA type subunit 3; plus strand). Cytogenetic location: Xq25.
Variant type: single nucleotide variant.
Coding change: c.379C>G on transcript NM_007325.5 (MANE Select); coding-DNA position 379, C replaced by G.
Protein change: p.Pro127Ala; replaces proline 127 with alanine.
Molecular consequence: missense variant.
Genome position (GRCh38, 1-based): chrX:123,253,413, C>G. VCF-style: chrX-123253413-C-G. GRCh37 (hg19) VCF-style: chrX-122387264-C-G.
Other names: c.379C>G, p.Pro127Ala (NM_000828.5); c.379C>G (NM_000828.4); short protein forms P127A.
Identifiers: ClinVar variation 1347912 (VCV001347912.6), dbSNP rs148560712, ClinGen allele CA335228878.
Genomic context (GRCh38, chrX:123,253,413, plus strand): 5'-CAGATGTCAATGAACACCCTGACCTCCTTCTGTGGGGCCCTGCACACATCCTTTGTTACG[C>G]CTAGCTTCCCCACTGACGCAGATGTGCAGTTTGTCATCCAGATGCGCCCAGCCTTGAAGG-3'
Protein context (NP_015564.5, residues 117-137): CGALHTSFVT[Pro127Ala]SFPTDADVQF

ClinVar aggregate classification (germline): Uncertain significance. Review status: criteria provided, multiple submitters, no conflicts (2 of 4 stars). 2 submissions from 2 submitters: Uncertain significance (2). Last evaluated 2022-12-08.

Conditions:
GRIA3-related disorder. Also called: GRIA3-related condition.

Allele frequency attached by ClinVar (database versions not stated): gnomAD 0.00001; TOPMed 0.00001; ESP Exome Variant Server 0.00009.
gnomAD v4.1: 3 of 1,209,860 alleles (0.00025%); highest among the groups gnomAD compares: Non-Finnish European, 0.00022%; no homozygotes.

Submissions (2):

PreventionGenetics, part of Exact Sciences
Classification: Uncertain significance for GRIA3-related condition. Last evaluated: 2022-12-08. Review status: criteria provided, single submitter. Criteria: ACMG Guidelines, 2015. Collection method: clinical testing. Allele origin: germline.
Comment: The GRIA3 c.379C>G variant is predicted to result in the amino acid substitution p.Pro127Ala. To our knowledge, this variant has not been reported in the literature or in a large population database, indicating this variant is rare. At this time, the clinical significance of this variant is uncertain due to the absence of conclusive functional and genetic evidence.

Labcorp Genetics (formerly Invitae), Labcorp
Classification: Uncertain significance. Last evaluated: 2022-06-27. Review status: criteria provided, single submitter. Criteria: Invitae Variant Classification Sherloc (09022015). Collection method: clinical testing. Allele origin: germline.
Comment: In summary, the available evidence is currently insufficient to determine the role of this variant in disease. Therefore, it has been classified as a Variant of Uncertain Significance. Advanced modeling of protein sequence and biophysical properties (such as structural, functional, and spatial information, amino acid conservation, physicochemical variation, residue mobility, and thermodynamic stability) performed at Invitae indicates that this missense variant is expected to disrupt GRIA3 protein function. This variant has not been reported in the literature in individuals affected with GRIA3-related conditions. This variant is not present in population databases (gnomAD no frequency). This sequence change replaces proline, which is neutral and non-polar, with alanine, which is neutral and non-polar, at codon 127 of the GRIA3 protein (p.Pro127Ala).